The following is an entry in ClinVar:

NM_004239.4(TRIP11):c.218A>G (p.Lys73Arg)

Gene: TRIP11 (thyroid hormone receptor interactor 11; minus strand). Cytogenetic location: 14q32.12.
Variant type: single nucleotide variant.
Coding change: c.218A>G on transcript NM_004239.4 (MANE Select); coding-DNA position 218, A replaced by G.
Protein change: p.Lys73Arg; replaces lysine 73 with arginine.
Molecular consequence: missense variant.
Genome position (GRCh38, 1-based): chr14:92,025,404, T>C on the plus strand (A>G on the coding strand, the complement: TRIP11 is on the minus strand). VCF-style: chr14-92025404-T-C. GRCh37 (hg19) VCF-style: chr14-92491748-T-C.
Other names: c.215A>G, p.Lys72Arg (NM_001321851.1); short protein forms K73R, K72R.
Identifiers: ClinVar variation 1996117 (VCV001996117.4), dbSNP rs2543086854, ClinGen allele CA390666947.

ClinVar aggregate classification (germline): Uncertain significance (1 of 4 stars; one submission).

Conditions:
Achondrogenesis, type IA (ACG1A). Identifiers: Orphanet 932, Orphanet 93299, MedGen C0265273, MONDO:0008701, OMIM 200600.

Allele frequency attached by ClinVar (database versions not stated): gnomAD exomes below 0.00001.
gnomAD v4.1: 1 of 1,612,636 alleles (0.000062%); highest among the groups gnomAD compares: Non-Finnish European, 0.000085%; no homozygotes.

Submission:

Labcorp Genetics (formerly Invitae), Labcorp
Classification: Uncertain significance for Achondrogenesis, type IA. Last evaluated: 2022-07-05. Review status: criteria provided, single submitter. Criteria: Invitae Variant Classification Sherloc (09022015). Collection method: clinical testing. Allele origin: germline.
Comment: This sequence change replaces lysine, which is basic and polar, with arginine, which is basic and polar, at codon 73 of the TRIP11 protein (p.Lys73Arg). This variant is not present in population databases (gnomAD no frequency). This variant has not been reported in the literature in individuals affected with TRIP11-related conditions. Algorithms developed to predict the effect of missense changes on protein structure and function are either unavailable or do not agree on the potential impact of this missense change (SIFT: "Not Available"; PolyPhen-2: "Benign"; Align-GVGD: "Not Available"). In summary, the available evidence is currently insufficient to determine the role of this variant in disease. Therefore, it has been classified as a Variant of Uncertain Significance.